The following is an entry in ClinVar:

NM_006390.4(IPO8):c.2268+6A>G

Gene: IPO8 (importin 8; minus strand). Cytogenetic location: 12p11.21.
Variant type: single nucleotide variant.
Coding change: c.2268+6A>G on transcript NM_006390.4 (MANE Select); 6 bases into the intron after coding-DNA position 2268, A replaced by G.
Molecular consequence: intron variant.
Genome position (GRCh38, 1-based): chr12:30,649,131, T>C on the plus strand (A>G on the coding strand, the complement: IPO8 is on the minus strand). VCF-style: chr12-30649131-T-C. GRCh37 (hg19) VCF-style: chr12-30802065-T-C.
Other names: NC_000012.11:g.30802065T>C; c.1653+6A>G (NM_001190995.2).
Identifiers: ClinVar variation 1701195 (VCV001701195.33), dbSNP rs61748363, ClinGen allele CA6498681.
Genomic context (GRCh38, chr12:30,649,131, plus strand): 5'-AAGTCAAGCAGGCATGTAAACTTCAAATGTAACCCTCAAGTAAGGCACTTTCCAGACATA[T>C]ATTACCTGATCAATTCCCCTTCCTTTGCACTGAAGAATGATGACTTCCAGAAGTTTAGCT-3'

ClinVar aggregate classification (germline): Benign. Review status: criteria provided, multiple submitters, no conflicts (2 of 4 stars). 2 submissions from 2 submitters: Benign (2). Last evaluated 2026-09-01.

Allele frequency attached by ClinVar (database versions not stated): 1000 Genomes Project 0.00260; 1000 Genomes Project 30x 0.00312; gnomAD 0.00701 and 0.00742; TOPMed 0.00736; gnomAD exomes 0.00741 and 0.01120; ExAC 0.00770; ESP Exome Variant Server 0.00915.
gnomAD v4.1: 17,076 of 1,596,638 alleles (1.1%); highest among the groups gnomAD compares: Non-Finnish European, 1.3%; 109 homozygotes.

Submissions (12):

CeGaT Center for Human Genetics Tuebingen
Classification: Benign. Last evaluated: 2026-09-01. Review status: criteria provided, single submitter. Criteria: CeGaT Center For Human Genetics Tuebingen Variant Classification Criteria Version 2. Collection method: clinical testing. Allele origin: germline. Affected: yes. Observed: 54 variant alleles.
Comment: IPO8: BP4, BS1, BS2

Women's Health and Genetics/Laboratory Corporation of America, LabCorp
Classification: Benign. Last evaluated: 2026-05-11. Review status: criteria provided, single submitter. Criteria: LabCorp Variant Classification Summary - May 2015. Collection method: clinical testing. Allele origin: germline.

Dr. Peter K. Rogan Lab, Western University
No classification provided (evidence only). Condition: Clear cell carcinoma of kidney. Review status: no classification provided. Collection method: in vitro. Allele origin: not applicable. Functional consequence: retained intron. Not counted in ClinVar's aggregate classification.

Dr. Peter K. Rogan Lab, Western University
No classification provided (evidence only). Condition: Clear cell carcinoma of kidney. Review status: no classification provided. Collection method: in vitro. Allele origin: not applicable. Functional consequence: retained intron. Not counted in ClinVar's aggregate classification.

Dr. Peter K. Rogan Lab, Western University
No classification provided (evidence only). Condition: Clear cell carcinoma of kidney. Review status: no classification provided. Collection method: in vitro. Allele origin: not applicable. Functional consequence: retained intron. Not counted in ClinVar's aggregate classification.

Dr. Peter K. Rogan Lab, Western University
No classification provided (evidence only). Condition: Lung cancer. Review status: no classification provided. Collection method: in vitro. Allele origin: not applicable. Functional consequence: retained intron. Not counted in ClinVar's aggregate classification.

Dr. Peter K. Rogan Lab, Western University
No classification provided (evidence only). Condition: Acute myeloid leukemia. Review status: no classification provided. Collection method: in vitro. Allele origin: not applicable. Functional consequence: retained intron. Not counted in ClinVar's aggregate classification.

Dr. Peter K. Rogan Lab, Western University
No classification provided (evidence only). Condition: Acute myeloid leukemia. Review status: no classification provided. Collection method: in vitro. Allele origin: not applicable. Functional consequence: retained intron. Not counted in ClinVar's aggregate classification.

Dr. Peter K. Rogan Lab, Western University
No classification provided (evidence only). Condition: Acute myeloid leukemia. Review status: no classification provided. Collection method: in vitro. Allele origin: not applicable. Functional consequence: retained intron. Not counted in ClinVar's aggregate classification.

Dr. Peter K. Rogan Lab, Western University
No classification provided (evidence only). Condition: Uterine corpus endometrial carcinoma. Review status: no classification provided. Collection method: in vitro. Allele origin: not applicable. Functional consequence: retained intron. Not counted in ClinVar's aggregate classification.

Dr. Peter K. Rogan Lab, Western University
No classification provided (evidence only). Condition: Cervical cancer. Review status: no classification provided. Collection method: in vitro. Allele origin: not applicable. Functional consequence: retained intron. Not counted in ClinVar's aggregate classification.

Dr. Peter K. Rogan Lab, Western University
No classification provided (evidence only). Condition: Malignant tumor of esophagus. Review status: no classification provided. Collection method: in vitro. Allele origin: not applicable. Functional consequence: retained intron. Not counted in ClinVar's aggregate classification.